The following is an entry in ClinVar:

ClinVar aggregate classification (germline): Uncertain significance (1 of 4 stars; one submission).

Conditions:
Charcot-Marie-Tooth disease axonal type 2O. Also called: CHARCOT-MARIE-TOOTH NEUROPATHY, AXONAL, TYPE 2O; CHARCOT-MARIE-TOOTH DISEASE, AXONAL, AUTOSOMAL DOMINANT, TYPE 2O; Charcot-Marie-Tooth Neuropathy Type 2O; Charcot-Marie-Tooth disease, axonal, type 20. Identifiers: Orphanet 284232, MedGen C3280220, MONDO:0013644, OMIM 614228.

Submission:

Labcorp Genetics (formerly Invitae), Labcorp
Classification: Uncertain significance for Charcot-Marie-Tooth disease axonal type 2O. Last evaluated: 2022-07-25. Review status: criteria provided, single submitter. Criteria: Invitae Variant Classification Sherloc (09022015). Collection method: clinical testing. Allele origin: germline.
Comment: In summary, the available evidence is currently insufficient to determine the role of this variant in disease. Therefore, it has been classified as a Variant of Uncertain Significance. Advanced modeling of protein sequence and biophysical properties (such as structural, functional, and spatial information, amino acid conservation, physicochemical variation, residue mobility, and thermodynamic stability) performed at Invitae indicates that this missense variant is not expected to disrupt DYNC1H1 protein function. ClinVar contains an entry for this variant (Variation ID: 1510021). This variant has not been reported in the literature in individuals affected with DYNC1H1-related conditions. This variant is not present in population databases (gnomAD no frequency). This sequence change replaces threonine, which is neutral and polar, with proline, which is neutral and non-polar, at codon 2434 of the DYNC1H1 protein (p.Thr2434Pro).

NM_001376.5(DYNC1H1):c.7300A>C (p.Thr2434Pro)

Gene: DYNC1H1 (dynein cytoplasmic 1 heavy chain 1; plus strand). Cytogenetic location: 14q32.31.
Variant type: single nucleotide variant.
Coding change: c.7300A>C on transcript NM_001376.5 (MANE Select); coding-DNA position 7300, A replaced by C.
Protein change: p.Thr2434Pro; replaces threonine 2434 with proline.
Molecular consequence: missense variant.
Genome position (GRCh38, 1-based): chr14:102,015,913, A>C. VCF-style: chr14-102015913-A-C. GRCh37 (hg19) VCF-style: chr14-102482250-A-C.
Other names: short protein forms T2434P.
Identifiers: ClinVar variation 1510021 (VCV001510021.6), dbSNP rs2152581974, ClinGen allele CA391001824.